The following is an entry in ClinVar:

NM_005654.6(NR2F1):c.690C>T (p.Ala230=)

Gene: NR2F1 (nuclear receptor subfamily 2 group F member 1; plus strand). Cytogenetic location: 5q15.
Variant type: single nucleotide variant.
Coding change: c.690C>T on transcript NM_005654.6 (MANE Select); coding-DNA position 690, C replaced by T.
Protein change: p.Ala230=; no amino-acid change (alanine 230 retained).
Molecular consequence: synonymous variant.
Genome position (GRCh38, 1-based): chr5:93,588,143, C>T. VCF-style: chr5-93588143-C-T. GRCh37 (hg19) VCF-style: chr5-92923849-C-T.
Other names: c.240C>T, p.Ala80= (NM_001410754.1).
Identifiers: ClinVar variation 1804198 (VCV001804198.3), dbSNP rs923916837, ClinGen allele CA123266519.

ClinVar aggregate classification (germline): Likely benign. Review status: criteria provided, multiple submitters, no conflicts (2 of 4 stars). 2 submissions from 2 submitters: Likely benign (2). Last evaluated 2023-04-26.

Allele frequency attached by ClinVar (database versions not stated): gnomAD 0.00001.

Submissions (2):

GeneDx
Classification: Likely benign. Last evaluated: 2023-04-26. Review status: criteria provided, single submitter. Criteria: GeneDx Variant Classification Process June 2021. Collection method: clinical testing. Allele origin: germline.
Comment: See Variant Classification Assertion Criteria.

Blueprint Genetics
Classification: Likely benign. Last evaluated: 2019-09-17. Review status: criteria provided, single submitter. Criteria: ACMG Guidelines, 2015. Collection method: clinical testing. Allele origin: germline.